The following is an entry in ClinVar:

ClinVar aggregate classification (germline): Conflicting classifications of pathogenicity. Review status: criteria provided, conflicting classifications (1 of 4 stars). 5 submissions from 5 submitters: Uncertain significance (4); Likely benign (1). Last evaluated 2025-09-24.

Conditions:
Catecholaminergic polymorphic ventricular tachycardia 1. Also called: VENTRICULAR TACHYCARDIA, STRESS-INDUCED POLYMORPHIC 1; RYR2-Related Catecholaminergic Polymorphic Ventricular Tachycardia; VENTRICULAR TACHYCARDIA, CATECHOLAMINERGIC POLYMORPHIC, 1, WITH OR WITHOUT ATRIAL DYSFUNCTION AND/OR DILATED CARDIOMYOPATHY. Identifiers: Orphanet 3286, MedGen C1631597, MONDO:0011484, OMIM 604772.
Arrhythmogenic right ventricular dysplasia 2. Identifiers: MedGen C1832931.
Ventricular arrhythmias due to cardiac ryanodine receptor calcium release deficiency syndrome. Also called: Autosomal dominant cardiac arrhythmia (Kuhn). Identifiers: MedGen C5542154, MONDO:0020745, OMIM 115000.
Cardiovascular phenotype. Identifiers: MedGen CN230736.
Cardiomyopathy (CMYO). Also called: Cardiomyopathies. Identifiers: Orphanet 167848, MedGen C0878544, MONDO:0004994, HP:0001638. Inheritance: Various modes of inheritance.

Allele frequency attached by ClinVar (database versions not stated): gnomAD exomes 0.00001 and 0.00002; TOPMed 0.00002; ExAC 0.00003; gnomAD 0.00004 and 0.00003.
gnomAD v4.1: 18 of 1,613,790 alleles (0.0011%); highest among the groups gnomAD compares: Admixed American, 0.005%; no homozygotes.

Submissions (5):

Labcorp Genetics (formerly Invitae), Labcorp
Classification: Likely benign for Catecholaminergic polymorphic ventricular tachycardia 1. Last evaluated: 2025-09-24. Review status: criteria provided, single submitter. Criteria: Invitae Variant Classification Sherloc (09022015). Collection method: clinical testing. Allele origin: germline.

Ambry Genetics
Classification: Uncertain significance for Cardiovascular phenotype. Last evaluated: 2025-02-13. Review status: criteria provided, single submitter. Criteria: Ambry Variant Classification Scheme 2023. Collection method: clinical testing. Allele origin: germline.
Comment: The p.M4279I variant (also known as c.12837G>A), located in coding exon 90 of the RYR2 gene, results from a G to A substitution at nucleotide position 12837. The methionine at codon 4279 is replaced by isoleucine, an amino acid with highly similar properties. This amino acid position is well conserved in available vertebrate species. In addition, the in silico prediction for this alteration is inconclusive. Since supporting evidence is limited at this time, the clinical significance of this alteration remains unclear.

Color Diagnostics, LLC DBA Color Health
Classification: Uncertain significance for Cardiomyopathy. Last evaluated: 2023-11-15. Review status: criteria provided, single submitter. Criteria: ACMG Guidelines, 2015. Collection method: clinical testing. Allele origin: germline.
Comment: This missense variant replaces methionine with isoleucine at codon 4279 of the RYR2 protein. Computational prediction suggests that this variant may not impact protein structure and function. To our knowledge, functional studies have not been reported for this variant. This variant has not been reported in individuals affected with RYR2-related disorders in the literature. This variant has been identified in 7/279990 chromosomes in the general population by the Genome Aggregation Database (gnomAD). The available evidence is insufficient to determine the role of this variant in disease conclusively. Therefore, this variant is classified as a Variant of Uncertain Significance.

Fulgent Genetics
Classification: Uncertain significance for Ventricular arrhythmias due to cardiac ryanodine receptor calcium release deficiency syndrome; Catecholaminergic polymorphic ventricular tachycardia 1. Last evaluated: 2021-10-11. Review status: criteria provided, single submitter. Criteria: ACMG Guidelines, 2015. Collection method: clinical testing. Allele origin: unknown.

Women's Health and Genetics/Laboratory Corporation of America, LabCorp
Classification: Uncertain significance. Last evaluated: 2019-11-29. Review status: criteria provided, single submitter. Criteria: LabCorp Variant Classification Summary - May 2015. Collection method: clinical testing. Allele origin: germline.
Comment: Variant summary: RYR2 c.12837G>A (p.Met4279Ile) results in a conservative amino acid change in the encoded protein sequence. Three of five in-silico tools predict a benign effect of the variant on protein function. The variant allele was found at a frequency of 2.4e-05 in 248598 control chromosomes (gnomAD). The available data on variant occurrences in the general population are insufficient to allow any conclusion about variant significance. To our knowledge, no occurrence of c.12837G>A in individuals affected with Arrhythmia and no experimental evidence demonstrating its impact on protein function have been reported. Two ClinVar submissions (evaluation after 2014) cite the variant as uncertain significance. Based on the evidence outlined above, the variant was classified as uncertain significance.

NM_001035.3(RYR2):c.12837G>A (p.Met4279Ile)

Genes: RYR2 (ryanodine receptor 2; plus strand), LOC126806068 (BRD4-independent group 4 enhancer GRCh37_chr1:237947411-237948610; plus strand). Cytogenetic location: 1q43.
Variant type: single nucleotide variant.
Coding change: c.12837G>A on transcript NM_001035.3 (MANE Select); coding-DNA position 12837, G replaced by A.
Protein change: p.Met4279Ile; replaces methionine 4279 with isoleucine.
Molecular consequence: missense variant.
Genome position (GRCh38, 1-based): chr1:237,784,549, G>A. VCF-style: chr1-237784549-G-A. GRCh37 (hg19) VCF-style: chr1-237947849-G-A.
Other names: c.12837G>A, p.Met4279Ile (LRG_402t1); short protein forms M4279I.
Identifiers: ClinVar variation 222794 (VCV000222794.15), dbSNP rs750117613, ClinGen allele CA085245.